The following is an entry in ClinVar:

NM_001145026.2(PTPRQ):c.3554A>C (p.Asp1185Ala)

Gene: PTPRQ (protein tyrosine phosphatase receptor type Q; plus strand). Cytogenetic location: 12q21.31.
Variant type: single nucleotide variant.
Coding change: c.3554A>C on transcript NM_001145026.2 (MANE Select); coding-DNA position 3554, A replaced by C.
Protein change: p.Asp1185Ala; replaces aspartic acid 1185 with alanine.
Molecular consequence: missense variant.
Genome position (GRCh38, 1-based): chr12:80,542,197, A>C. VCF-style: chr12-80542197-A-C. GRCh37 (hg19) VCF-style: chr12-80935976-A-C.
Other names: short protein forms D1185A.
Identifiers: ClinVar variation 4990780 (VCV004990780.1).

ClinVar aggregate classification (germline): Uncertain significance (1 of 4 stars; one submission).

Conditions:
PTPRQ-related disorder. Also called: PTPRQ-related condition.

gnomAD v4.1: 20 of 1,551,020 alleles (0.0013%); highest among the groups gnomAD compares: Middle Eastern, 0.017%; no homozygotes.

Submission:

PreventionGenetics, part of Exact Sciences
Classification: Uncertain significance for PTPRQ-related condition. Last evaluated: 2025-10-15. Review status: criteria provided, single submitter. Criteria: ACMG Guidelines, 2015. Collection method: clinical testing. Allele origin: germline.
Comment: The PTPRQ c.3554A>C variant is predicted to result in the amino acid substitution p.Asp1185Ala. To our knowledge, this variant has not been reported in the literature. This variant is reported in 0.0041% of alleles in individuals of Latino descent in gnomAD. At this time, the clinical significance of this variant is uncertain due to the absence of conclusive functional and genetic evidence.